The following is an entry in ClinVar:

NM_000360.4(TH):c.1170C>G (p.Ala390=)

Gene: TH (tyrosine hydroxylase; minus strand). Cytogenetic location: 11p15.5.
Variant type: single nucleotide variant.
Coding change: c.1170C>G on transcript NM_000360.4 (MANE Select); coding-DNA position 1170, C replaced by G.
Protein change: p.Ala390=; no amino-acid change (alanine 390 retained).
Molecular consequence: synonymous variant.
Genome position (GRCh38, 1-based): chr11:2,165,698, G>C on the plus strand (C>G on the coding strand, the complement: TH is on the minus strand). VCF-style: chr11-2165698-G-C. GRCh37 (hg19) VCF-style: chr11-2186928-G-C.
Other names: p.Ala421=; c.1263C>G, p.Ala421= (NM_199292.3); c.1251C>G, p.Ala417= (NM_199293.3).
Identifiers: ClinVar variation 304070 (VCV000304070.45), dbSNP rs199839852, ClinGen allele CA5818355.
Genomic context (GRCh38, chr11:2,165,698, plus strand): 5'-CTGGGGGCTGCAGCAAGGAGAGACTCTCACCAGGAGCTCCCCGTAGGAGGACAGCAGCCC[G>C]GCACCATAGGCCTTCACCTCCCCGTTCTGCTTACACAGCCCGAACTCCACCGTGAACCAG-3'
Protein context (NP_000351.2, residues 380-400): KQNGEVKAYG[Ala390=]GLLSSYGELL

ClinVar aggregate classification (germline): Conflicting classifications of pathogenicity. Review status: criteria provided, conflicting classifications (1 of 4 stars). 7 submissions from 7 submitters: Uncertain significance (1); Likely benign (5). 1 of the submissions does not count toward it. Last evaluated 2026-04-01.

Conditions:
TH-deficient dopa-responsive dystonia. Also called: Tyrosine Hydroxylase-Deficient Dopa-Responsive Dystonia; Segawa syndrome, autosomal recessive; DYT-TH. Identifiers: Orphanet 101150, MedGen C2673535, MONDO:0011551, OMIM 605407.

Allele frequency attached by ClinVar (database versions not stated): TOPMed 0.00025; ESP Exome Variant Server 0.00031.
gnomAD v4.1: 883 of 1,612,618 alleles (0.055%); highest among the groups gnomAD compares: Non-Finnish European, 0.069%; 3 homozygotes.

Submissions (7):

CeGaT Center for Human Genetics Tuebingen
Classification: Likely benign. Last evaluated: 2026-04-01. Review status: criteria provided, single submitter. Criteria: CeGaT Center For Human Genetics Tuebingen Variant Classification Criteria Version 2. Collection method: clinical testing. Allele origin: germline. Affected: yes. Observed: 3 variant alleles.
Comment: TH: BP4, BP7

Labcorp Genetics (formerly Invitae), Labcorp
Classification: Likely benign for TH-deficient dopa-responsive dystonia. Last evaluated: 2026-01-28. Review status: criteria provided, single submitter. Criteria: Invitae Variant Classification Sherloc (09022015). Collection method: clinical testing. Allele origin: germline.

Mayo Clinic Laboratories, Mayo Clinic
Classification: Likely benign. Last evaluated: 2025-10-23. Review status: criteria provided, single submitter. Criteria: ACMG Guidelines, 2015. Collection method: clinical testing. Allele origin: germline. Observed: 2 variant alleles.
Comment: BS2, BP4, BP7

GeneDx
Classification: Likely benign. Last evaluated: 2019-04-03. Review status: criteria provided, single submitter. Criteria: GeneDx Variant Classification Process June 2021. Collection method: clinical testing. Allele origin: germline. Affected: yes.

Athena Diagnostics
Classification: Likely benign. Last evaluated: 2019-03-25. Review status: criteria provided, single submitter. Criteria: Athena Diagnostics Criteria. Collection method: clinical testing. Allele origin: germline.

Illumina Laboratory Services, Illumina
Classification: Uncertain significance for TH-deficient dopa-responsive dystonia. Last evaluated: 2018-01-12. Review status: criteria provided, single submitter. Criteria: ICSL Variant Classification Criteria 13 December 2019. Collection method: clinical testing. Allele origin: germline.

Natera, Inc.
Classification: Likely benign for Autosomal recessive Segawa syndrome. Last evaluated: 2020-09-16. Review status: no assertion criteria provided. Collection method: clinical testing. Allele origin: germline. Not counted in ClinVar's aggregate classification.